The following is an entry in ClinVar:

ClinVar aggregate classification (germline): Likely benign (1 of 4 stars; one submission).

Submission:

CeGaT Center for Human Genetics Tuebingen
Classification: Likely benign. Last evaluated: 2023-10-01. Review status: criteria provided, single submitter. Criteria: CeGaT Center For Human Genetics Tuebingen Variant Classification Criteria Version 2. Collection method: clinical testing. Allele origin: germline. Affected: yes. Observed: 1 variant allele.
Comment: PDZD2: PM2:Supporting, BP4, BP7

NM_178140.4(PDZD2):c.1521G>C (p.Gly507=)

Gene: PDZD2 (PDZ domain containing 2; plus strand). Cytogenetic location: 5p13.3.
Variant type: single nucleotide variant.
Coding change: c.1521G>C on transcript NM_178140.4 (MANE Select); coding-DNA position 1521, G replaced by C.
Protein change: p.Gly507=; no amino-acid change (glycine 507 retained).
Molecular consequence: synonymous variant.
Genome position (GRCh38, 1-based): chr5:32,048,540, G>C. VCF-style: chr5-32048540-G-C. GRCh37 (hg19) VCF-style: chr5-32048646-G-C.
Identifiers: ClinVar variation 2655378 (VCV002655378.24), dbSNP rs2478288607, ClinGen allele CA443644292.
Genomic context (GRCh38, chr5:32,048,540, plus strand): 5'-TGTGCTTACGATTCTTTTTGTCCCATATCAAACTATGTTTTCTCCTCTGTTTTCTCAAGG[G>C]GGTGTACACCGCCTTGAGTCAGTTGAAGAATATAACGAGCTGATGGTGCGGAATGGGGAC-3'
Protein context (NP_835260.2, residues 497-517): NKIKLKSRLS[Gly507=]GVHRLESVEE